The following is an entry in ClinVar:

ClinVar aggregate classification (germline): Benign (1 of 4 stars; one submission).

Conditions:
SHANK3-related disorder. Also called: SHANK3-related condition.

Submission:

PreventionGenetics, part of Exact Sciences
Classification: Benign for SHANK3-related condition. Last evaluated: 2019-07-23. Review status: criteria provided, single submitter. Criteria: ACMG Guidelines, 2015. Collection method: clinical testing. Allele origin: germline.
Comment: This variant is classified as benign based on ACMG/AMP sequence variant interpretation guidelines (Richards et al. 2015 PMID: 25741868, with internal and published modifications).

NM_001372044.2(SHANK3):c.1188+7C>T

Gene: SHANK3 (SH3 and multiple ankyrin repeat domains 3; plus strand).
Variant type: single nucleotide variant.
Coding change: c.1188+7C>T on transcript NM_001372044.2 (MANE Select); 7 bases into the intron after coding-DNA position 1188, C replaced by T.
Molecular consequence: intron variant.
Other names: c.963+7C>T (NM_033517.1).
Identifiers: ClinVar variation 3049608 (VCV003049608.1), dbSNP rs2521416382.